The following is an entry in ClinVar:

ClinVar aggregate classification (germline): Uncertain significance (1 of 4 stars; one submission).

Conditions:
Autoimmune interstitial lung disease-arthritis syndrome. Also called: Autoinflammation and autoimmunity, systemic, with immune dysregulation. Identifiers: Orphanet 444092, MedGen C5975714, MONDO:0014629.

Submission:

Labcorp Genetics (formerly Invitae), Labcorp
Classification: Uncertain significance for Autoimmune interstitial lung disease-arthritis syndrome. Last evaluated: 2025-06-01. Review status: criteria provided, single submitter. Criteria: Invitae Variant Classification Sherloc (09022015). Collection method: clinical testing. Allele origin: germline.
Comment: This sequence change falls in intron 4 of the COPA gene. It does not directly change the encoded amino acid sequence of the COPA protein. It affects a nucleotide within the consensus splice site. This variant is not present in population databases (gnomAD no frequency). This variant has not been reported in the literature in individuals affected with COPA-related conditions. Variants that disrupt the consensus splice site are a relatively common cause of aberrant splicing (PMID: 17576681, 9536098). Algorithms developed to predict the effect of sequence changes on RNA splicing suggest that this variant may disrupt the consensus splice site. In summary, the available evidence is currently insufficient to determine the role of this variant in disease. Therefore, it has been classified as a Variant of Uncertain Significance.

Literature cited by the submitters: PubMed 17576681; PubMed 9536098.

NM_004371.4(COPA):c.310-3C>T

Gene: COPA (coat protein complex I subunit alpha; minus strand). Cytogenetic location: 1q23.2.
Variant type: single nucleotide variant.
Coding change: c.310-3C>T on transcript NM_004371.4 (MANE Select); 3 bases into the intron before coding-DNA position 310, C replaced by T.
Molecular consequence: intron variant.
Genome position (GRCh38, 1-based): chr1:160,333,682, G>A on the plus strand (C>T on the coding strand, the complement: COPA is on the minus strand). VCF-style: chr1-160333682-G-A. GRCh37 (hg19) VCF-style: chr1-160303472-G-A.
Other names: c.310-3C>T (NM_001098398.2).
Identifiers: ClinVar variation 4720408 (VCV004720408.1).